The following is an entry in ClinVar:

ClinVar aggregate classification (germline): Uncertain significance (1 of 4 stars; one submission).

Conditions:
Multiple gastrointestinal atresias. Also called: FAMILIAL INTESTINAL POLYATRESIA SYNDROME; Multiple intestinal atresia. Identifiers: Orphanet 2300, MedGen C0220744, MONDO:0009465.

Allele frequency attached by ClinVar (database versions not stated): ExAC 0.00001.
gnomAD v4.1: 2 of 1,614,198 alleles (0.00012%); highest among the groups gnomAD compares: Non-Finnish European, 0.00017%; no homozygotes.

Submission:

Labcorp Genetics (formerly Invitae), Labcorp
Classification: Uncertain significance for Multiple gastrointestinal atresias. Last evaluated: 2022-09-12. Review status: criteria provided, single submitter. Criteria: Invitae Variant Classification Sherloc (09022015). Collection method: clinical testing. Allele origin: germline.
Comment: This sequence change replaces valine, which is neutral and non-polar, with leucine, which is neutral and non-polar, at codon 420 of the TTC7A protein (p.Val420Leu). This variant is present in population databases (rs759758834, gnomAD 0.0009%). This variant has not been reported in the literature in individuals affected with TTC7A-related conditions. Advanced modeling of protein sequence and biophysical properties (such as structural, functional, and spatial information, amino acid conservation, physicochemical variation, residue mobility, and thermodynamic stability) performed at Invitae indicates that this missense variant is not expected to disrupt TTC7A protein function. In summary, the available evidence is currently insufficient to determine the role of this variant in disease. Therefore, it has been classified as a Variant of Uncertain Significance.

NM_020458.4(TTC7A):c.1258G>T (p.Val420Leu)

Gene: TTC7A (tetratricopeptide repeat domain 7A; plus strand). Cytogenetic location: 2p21.
Variant type: single nucleotide variant.
Coding change: c.1258G>T on transcript NM_020458.4 (MANE Select); coding-DNA position 1258, G replaced by T.
Protein change: p.Val420Leu; replaces valine 420 with leucine.
Molecular consequence: missense variant.
Genome position (GRCh38, 1-based): chr2:47,006,695, G>T. VCF-style: chr2-47006695-G-T. GRCh37 (hg19) VCF-style: chr2-47233834-G-T.
Other names: c.1258G>T, p.Val420Leu (NM_001288951.2); c.1156G>T, p.Val386Leu (NM_001288953.2); c.196G>T, p.Val66Leu (NM_001288955.2); short protein forms V420L, V386L, V66L.
Identifiers: ClinVar variation 2165777 (VCV002165777.4), dbSNP rs759758834, ClinGen allele CA1647576.